The following is an entry in ClinVar:

NM_181426.2(CCDC39):c.1665+5A>G

Gene: CCDC39 (coiled-coil domain 39 molecular ruler complex subunit; minus strand). Cytogenetic location: 3q26.33.
Variant type: single nucleotide variant.
Coding change: c.1665+5A>G on transcript NM_181426.2 (MANE Select); 5 bases into the intron after coding-DNA position 1665, A replaced by G.
Molecular consequence: intron variant.
Genome position (GRCh38, 1-based): chr3:180,644,115, T>C on the plus strand (A>G on the coding strand, the complement: CCDC39 is on the minus strand). VCF-style: chr3-180644115-T-C. GRCh37 (hg19) VCF-style: chr3-180361903-T-C.
Identifiers: ClinVar variation 455013 (VCV000455013.9), dbSNP rs560658609, ClinGen allele CA2715906.

ClinVar aggregate classification (germline): Conflicting classifications of pathogenicity. Review status: criteria provided, conflicting classifications (1 of 4 stars). 3 submissions from 3 submitters: Uncertain significance (2); Likely benign (1). Last evaluated 2025-11-26.

Conditions:
Primary ciliary dyskinesia. Also called: Ciliary dyskinesia. Identifiers: Orphanet 244, MedGen C0008780, MONDO:0016575, HP:0012265.
Primary ciliary dyskinesia 14. Also called: CILIARY DYSKINESIA, PRIMARY, 14, WITH OR WITHOUT SITUS INVERSUS. Identifiers: Orphanet 244, MedGen C3151136, MONDO:0013434, OMIM 613807.

Allele frequency attached by ClinVar (database versions not stated): TOPMed 0.00010; 1000 Genomes Project 30x 0.00016; ExAC 0.00018; gnomAD 0.00102.
gnomAD v4.1: 323 of 1,536,812 alleles (0.021%); highest among the groups gnomAD compares: Non-Finnish European, 0.017%; no homozygotes.

Submissions (4):

Labcorp Genetics (formerly Invitae), Labcorp
Classification: Uncertain significance for Primary ciliary dyskinesia. Last evaluated: 2025-11-26. Review status: criteria provided, single submitter. Criteria: Invitae Variant Classification Sherloc (09022015). Collection method: clinical testing. Allele origin: germline.
Comment: This sequence change falls in intron 12 of the CCDC39 gene. It does not directly change the encoded amino acid sequence of the CCDC39 protein. It affects a nucleotide within the consensus splice site. This variant is present in population databases (rs560658609, gnomAD 0.2%). This variant has not been reported in the literature in individuals affected with CCDC39-related conditions. ClinVar contains an entry for this variant (Variation ID: 455013). Variants that disrupt the consensus splice site are a relatively common cause of aberrant splicing (PMID: 17576681, 9536098). Algorithms developed to predict the effect of sequence changes on RNA splicing suggest that this variant is not likely to affect RNA splicing. In summary, the available evidence is currently insufficient to determine the role of this variant in disease. Therefore, it has been classified as a Variant of Uncertain Significance.

Blueprint Genetics
Classification: Likely benign. Last evaluated: 2024-10-18. Review status: criteria provided, single submitter. Criteria: ACMG Guidelines, 2015. Collection method: clinical testing. Allele origin: germline.

Department of Pathology and Laboratory Medicine, Sinai Health System
Classification: Uncertain significance for Primary ciliary dyskinesia 14. Last evaluated: 2022-12-05. Review status: criteria provided, single submitter. Criteria: ACMG Guidelines, 2015. Collection method: research. Allele origin: germline.

Dr. Peter K. Rogan Lab, Western University
No classification provided (evidence only). Condition: Uterine corpus endometrial carcinoma. Review status: no classification provided. Collection method: in vitro. Allele origin: not applicable. Functional consequence: retained intron. Not counted in ClinVar's aggregate classification.

Literature cited by the submitters: PubMed 17576681 (cited by Labcorp Genetics (formerly Invitae), Labcorp); PubMed 9536098 (cited by Labcorp Genetics (formerly Invitae), Labcorp).